The following is an entry in ClinVar:

NM_000111.3(SLC26A3):c.575del (p.Ala192fs)

Gene: SLC26A3 (solute carrier family 26 member 3; minus strand). Cytogenetic location: 7q22.3.
Variant type: Deletion.
Coding change: c.575del on transcript NM_000111.3 (MANE Select); coding-DNA position 575, one base deleted (C; older notation c.575delC).
Protein change: p.Ala192fs; shifts the reading frame from alanine 192.
Molecular consequence: frameshift variant.
Genome position (GRCh38, 1-based): chr7:107,789,684, G deleted on the plus strand (C on the coding strand, the reverse complement: SLC26A3 is on the minus strand). VCF-style (leftmost placement, unchanged base first): chr7-107789683-AG-A. GRCh37 (hg19) VCF-style: chr7-107430128-AG-A.
Other names: short protein forms A192fs.
Identifiers: ClinVar variation 3391189 (VCV003391189.1).
Genomic context (GRCh38, chr7:107,789,683, plus strand): 5'-GCCACTGATGAGGGACTCAGACAGGTATATCACTACAAATCCAATCCGCAGAATCCCAAA[AG>A]CCAACTGGAAAGAGAACAAAAGCCTTTGTCAGCATAGATTAGGAGTATACCTCAGCAAAC-3'

ClinVar aggregate classification (germline): Likely pathogenic (1 of 4 stars; one submission).

Conditions:
Congenital secretory diarrhea, chloride type (DIAR1). Also called: DIARRHEA 1, SECRETORY CHLORIDE, CONGENITAL; CHLORIDORRHEA, CONGENITAL; CHLORIDE DIARRHEA, CONGENITAL, FINNISH TYPE. Identifiers: Orphanet 53689, MedGen C0267662, MONDO:0008964, OMIM 214700.

Submission:

Neuberg Centre For Genomic Medicine, NCGM
Classification: Likely pathogenic for Congenital secretory diarrhea, chloride type. Last evaluated: 2023-06-22. Review status: criteria provided, single submitter. Criteria: ACMG Guidelines, 2015. Collection method: clinical testing. Allele origin: germline. Inheritance: Autosomal recessive inheritance. Affected: yes.
Comment: The observed frameshift variant c.575delp.Ala192ValfsTer10 in the SLC26A3 gene has not been reported previously as a pathogenic variant nor as a benign variant, to our knowledge. This variant is absent in the gnomAD Exomes. This variant causes a frameshift starting with codon Alanine 192, changes this amino acid to Valine residue, and creates a premature Stop codon at position 10 of the new reading frame, denoted p.Ala192ValfsTer10. Though this variant is present in the last exon, there are three heterozygous variants reported beyond this position in the ClinVar database. This variant is predicted to cause loss of normal protein function through protein truncation. Loss of function variants have been previously reported to be disease causing Ben-David Y, et al., 2019. For these reasons, this variant has been classified as Likely Pathogenic.